The following is an entry in ClinVar:

ClinVar aggregate classification (germline): Uncertain significance (1 of 4 stars; one submission).

Conditions:
Inborn genetic diseases. Identifiers: MedGen C0950123, MeSH D030342.

Submission:

Ambry Genetics
Classification: Uncertain significance for Inborn genetic diseases. Last evaluated: 2024-12-14. Review status: criteria provided, single submitter. Criteria: Ambry Variant Classification Scheme 2023. Collection method: clinical testing. Allele origin: germline.
Comment: The p.D356N variant (also known as c.1066G>A), located in coding exon 5 of the SH2B3 gene, results from a G to A substitution at nucleotide position 1066. The aspartic acid at codon 356 is replaced by asparagine, an amino acid with highly similar properties. This amino acid position is conserved. In addition, this alteration is predicted to be tolerated by in silico analysis. Based on the available evidence, the clinical significance of this variant remains unclear.

NM_005475.3(SH2B3):c.1066G>A (p.Asp356Asn)

Gene: SH2B3 (SH2B adaptor protein 3; plus strand). Cytogenetic location: 12q24.12.
Variant type: single nucleotide variant.
Coding change: c.1066G>A on transcript NM_005475.3 (MANE Select); coding-DNA position 1066, G replaced by A.
Protein change: p.Asp356Asn; replaces aspartic acid 356 with asparagine.
Molecular consequence: missense variant.
Genome position (GRCh38, 1-based): chr12:111,447,374, G>A. VCF-style: chr12-111447374-G-A. GRCh37 (hg19) VCF-style: chr12-111885178-G-A.
Other names: c.460G>A, p.Asp154Asn (NM_001291424.1); short protein forms D154N, D356N.
Identifiers: ClinVar variation 3794995 (VCV003794995.1).